The following is an entry in ClinVar:

ClinVar aggregate classification (germline): Uncertain significance (1 of 4 stars; one submission).

Submission:

Dasa
Classification: Uncertain significance. Last evaluated: 2026-03-25. Review status: criteria provided, single submitter. Criteria: DASA Assertion Criteria. Collection method: clinical testing. Allele origin: germline.
Comment: NM_005257.6(GATA6):c.1508C>T (p.Thr503Ile) is a missense variant that results in the substitution of threonine with isoleucine. This variant is absent from population databases. The currently available literature and clinical evidence are not sufficient to establish a definitive association between this variant and the reported condition. Therefore, this variant is classified as a variant of uncertain significance.

NM_005257.6(GATA6):c.1508C>T (p.Thr503Ile)

Gene: GATA6 (GATA binding protein 6; plus strand). Cytogenetic location: 18q11.2.
Variant type: single nucleotide variant.
Coding change: c.1508C>T on transcript NM_005257.6 (MANE Select); coding-DNA position 1508, C replaced by T.
Protein change: p.Thr503Ile; replaces threonine 503 with isoleucine.
Molecular consequence: missense variant.
Genome position (GRCh38, 1-based): chr18:22,182,836, C>T. VCF-style: chr18-22182836-C-T. GRCh37 (hg19) VCF-style: chr18-19762797-C-T.
Other names: short protein forms T503I.
Identifiers: ClinVar variation 4883517 (VCV004883517.2).